The following is an entry in ClinVar:

NM_024675.4(PALB2):c.804A>G (p.Lys268=)

Gene: PALB2 (partner and localizer of BRCA2; minus strand). Cytogenetic location: 16p12.2.
Variant type: single nucleotide variant.
Coding change: c.804A>G on transcript NM_024675.4 (MANE Select); coding-DNA position 804, A replaced by G.
Protein change: p.Lys268=; no amino-acid change (lysine 268 retained).
Molecular consequence: synonymous variant.
Genome position (GRCh38, 1-based): chr16:23,635,742, T>C on the plus strand (A>G on the coding strand, the complement: PALB2 is on the minus strand). VCF-style: chr16-23635742-T-C. GRCh37 (hg19) VCF-style: chr16-23647063-T-C.
Identifiers: ClinVar variation 958741 (VCV000958741.12), dbSNP rs1967019844, ClinGen allele CA494461538.

ClinVar aggregate classification (germline): Benign/Likely benign. Review status: criteria provided, multiple submitters, no conflicts (2 of 4 stars). 3 submissions from 3 submitters: Benign (1); Likely benign (2). Last evaluated 2025-05-02.

Conditions:
Hereditary cancer-predisposing syndrome. Also called: Tumor predisposition; Hereditary neoplastic syndrome; Neoplastic Syndromes, Hereditary; Hereditary Cancer Syndrome. Identifiers: Orphanet 140162, MedGen C0027672, MeSH D009386, MONDO:0015356.
Familial cancer of breast. Also called: BREAST CANCER, FAMILIAL; Hereditary breast cancer; hereditary breast carcinoma. Identifiers: Orphanet 227535, MedGen C0346153, MONDO:0016419, OMIM 114480. Disease mechanism: loss of function.

Allele frequency attached by ClinVar (database versions not stated): gnomAD exomes below 0.00001.
gnomAD v4.1: 1 of 1,614,186 alleles (0.000062%); highest among the groups gnomAD compares: Non-Finnish European, 0.000085%; no homozygotes.

Submissions (3):

Ambry Genetics
Classification: Likely benign for Hereditary cancer-predisposing syndrome. Last evaluated: 2025-05-02. Review status: criteria provided, single submitter. Criteria: Ambry Variant Classification Scheme 2023. Collection method: clinical testing. Allele origin: germline.

Myriad Genetics, Inc.
Classification: Benign for Familial cancer of breast. Last evaluated: 2025-01-10. Review status: criteria provided, single submitter. Criteria: Myriad Autosomal Dominant, Autosomal Recessive and X-Linked Classification Criteria (2023). Collection method: clinical testing. Allele origin: unknown.
Comment: This variant is considered benign. This variant is a silent/synonymous amino acid change and it is not expected to impact splicing.

Labcorp Genetics (formerly Invitae), Labcorp
Classification: Likely benign for Familial cancer of breast. Last evaluated: 2023-11-27. Review status: criteria provided, single submitter. Criteria: Invitae Variant Classification Sherloc (09022015). Collection method: clinical testing. Allele origin: germline.